The following is an entry in ClinVar:

NM_182931.3(KMT2E):c.3884T>C (p.Val1295Ala)

Gene: KMT2E (lysine methyltransferase 2E (inactive); plus strand). Cytogenetic location: 7q22.3.
Variant type: single nucleotide variant.
Coding change: c.3884T>C on transcript NM_182931.3 (MANE Select); coding-DNA position 3884, T replaced by C.
Protein change: p.Val1295Ala; replaces valine 1295 with alanine.
Molecular consequence: missense variant. On other transcripts: intron variant (1).
Genome position (GRCh38, 1-based): chr7:105,110,516, T>C. VCF-style: chr7-105110516-T-C. GRCh37 (hg19) VCF-style: chr7-104750963-T-C.
Other names: c.3884T>C, p.Val1295Ala (NM_018682.4); c.3844+148T>C (NM_001410908.1); short protein forms V1295A.
Identifiers: ClinVar variation 3116063 (VCV003116063.2), dbSNP rs1799181621, ClinGen allele CA368790869.
Genomic context (GRCh38, chr7:105,110,516, plus strand): 5'-TCTGCTCTGCTTCATCTCTAGGGGGAGAATCACCATGTGTCTCATGTTCACCGAGTCATG[T>C]TCAGTCTTCACCTTCATCTCATTCAAATCACATACCCCAGTTGCAAGCTAAGGGCCCAGT-3'
Protein context (NP_891847.1, residues 1285-1305): SPCVSCSPSH[Val1295Ala]QSSPSSHSNH

ClinVar aggregate classification (germline): Uncertain significance. Review status: criteria provided, multiple submitters, no conflicts (2 of 4 stars). 2 submissions from 2 submitters: Uncertain significance (2). Last evaluated 2025-05-07.

Conditions:
Inborn genetic diseases. Identifiers: MedGen C0950123, MeSH D030342.

Allele frequency attached by ClinVar (database versions not stated): TOPMed below 0.00001; gnomAD 0.00001.
gnomAD v4.1: 1 of 1,614,074 alleles (0.000062%); highest among the groups gnomAD compares: Non-Finnish European, 0.000085%; no homozygotes.

Submissions (2):

Labcorp Genetics (formerly Invitae), Labcorp
Classification: Uncertain significance. Last evaluated: 2025-05-07. Review status: criteria provided, single submitter. Criteria: Invitae Variant Classification Sherloc (09022015). Collection method: clinical testing. Allele origin: germline.
Comment: This sequence change replaces valine, which is neutral and non-polar, with alanine, which is neutral and non-polar, at codon 1295 of the KMT2E protein (p.Val1295Ala). This variant is not present in population databases (gnomAD no frequency). This variant has not been reported in the literature in individuals affected with KMT2E-related conditions. ClinVar contains an entry for this variant (Variation ID: 3116063). Invitae Evidence Modeling of protein sequence and biophysical properties (such as structural, functional, and spatial information, amino acid conservation, physicochemical variation, residue mobility, and thermodynamic stability) indicates that this missense variant is not expected to disrupt KMT2E protein function with a negative predictive value of 80%. In summary, the available evidence is currently insufficient to determine the role of this variant in disease. Therefore, it has been classified as a Variant of Uncertain Significance.

Ambry Genetics
Classification: Uncertain significance for Inborn genetic diseases. Last evaluated: 2024-02-21. Review status: criteria provided, single submitter. Criteria: Ambry Variant Classification Scheme 2023. Collection method: clinical testing. Allele origin: germline.